The following is an entry in ClinVar:

ClinVar aggregate classification (germline): Uncertain significance. Review status: criteria provided, multiple submitters, no conflicts (2 of 4 stars). 2 submissions from 2 submitters: Uncertain significance (2). Last evaluated 2021-05-11.

Conditions:
RASopathy. Also called: rasopathies; Noonan spectrum disorder. Identifiers: Orphanet 536391, MedGen C5555857, MONDO:0021060.

Submissions (2):

GeneDx
Classification: Uncertain significance. Last evaluated: 2021-05-11. Review status: criteria provided, single submitter. Criteria: GeneDx Variant Classification Process June 2021. Collection method: clinical testing. Allele origin: germline. Affected: yes.
Comment: Not observed in large population cohorts (Lek et al., 2016); Canonical splice site variant with an unclear effect on protein function; Has not been previously published as pathogenic or benign to our knowledge

Labcorp Genetics (formerly Invitae), Labcorp
Classification: Uncertain significance for RASopathy. Last evaluated: 2020-03-22. Review status: criteria provided, single submitter. Criteria: Invitae Variant Classification Sherloc (09022015). Collection method: clinical testing. Allele origin: germline.
Comment: This variant is not present in population databases (ExAC no frequency). In summary, the available evidence is currently insufficient to determine the role of this variant in disease. Therefore, it has been classified as a Variant of Uncertain Significance. The current clinical and genetic evidence is not sufficient to establish whether loss-of-function variants in CBL cause disease. Algorithms developed to predict the effect of sequence changes on RNA splicing suggest that this variant may disrupt the consensus splice site, but this prediction has not been confirmed by published transcriptional studies. This variant has not been reported in the literature in individuals with CBL-related conditions. This sequence change affects an acceptor splice site in intron 14 of the CBL gene. It is expected to disrupt RNA splicing and likely results in an absent or disrupted protein product.

NM_005188.4(CBL):c.2252-2A>G

Gene: CBL (Cbl proto-oncogene; plus strand). Cytogenetic location: 11q23.3.
Variant type: single nucleotide variant.
Coding change: c.2252-2A>G on transcript NM_005188.4 (MANE Select); the canonical splice acceptor site of the intron before coding-DNA position 2252, A replaced by G.
Molecular consequence: splice acceptor variant.
Genome position (GRCh38, 1-based): chr11:119,298,356, A>G. VCF-style: chr11-119298356-A-G. GRCh37 (hg19) VCF-style: chr11-119169066-A-G.
Identifiers: ClinVar variation 1009736 (VCV001009736.8), dbSNP rs1950077587, ClinGen allele CA382928884.